The following is an entry in ClinVar:

NM_001382391.1(CSPP1):c.809A>T (p.Asp270Val)

Gene: CSPP1 (centrosome and spindle pole associated protein 1; plus strand). Cytogenetic location: 8q13.1.
Variant type: single nucleotide variant.
Coding change: c.809A>T on transcript NM_001382391.1 (MANE Select); coding-DNA position 809, A replaced by T.
Protein change: p.Asp270Val; replaces aspartic acid 270 with valine.
Molecular consequence: missense variant. On other transcripts: 5 prime UTR variant (1).
Genome position (GRCh38, 1-based): chr8:67,095,618, A>T. VCF-style: chr8-67095618-A-T. GRCh37 (hg19) VCF-style: chr8-68007853-A-T.
Other names: c.-47A>T (NM_001291339.2); c.728A>T, p.Asp243Val (NM_001363131.2, NM_001363133.2); c.809A>T, p.Asp270Val (NM_001363132.2); c.917A>T, p.Asp306Val (NM_001364869.1); c.836A>T, p.Asp279Val (NM_001364870.1, NM_024790.7); short protein forms D270V, D279V, D243V, D306V.
Identifiers: ClinVar variation 1047155 (VCV001047155.8), dbSNP rs1812585556, ClinGen allele CA371191264.

ClinVar aggregate classification (germline): Uncertain significance (1 of 4 stars; one submission).

Conditions:
Joubert syndrome 21 (JBTS21). Identifiers: MedGen C3810212, MONDO:0014288, OMIM 615636.

Allele frequency attached by ClinVar (database versions not stated): gnomAD exomes below 0.00001.
gnomAD v4.1: 3 of 1,613,822 alleles (0.00019%); highest among the groups gnomAD compares: South Asian, 0.0033%; no homozygotes.

Submission:

Labcorp Genetics (formerly Invitae), Labcorp
Classification: Uncertain significance for Joubert syndrome 21. Last evaluated: 2020-03-03. Review status: criteria provided, single submitter. Criteria: Invitae Variant Classification Sherloc (09022015). Collection method: clinical testing. Allele origin: germline.
Comment: This sequence change replaces aspartic acid with valine at codon 279 of the CSPP1 protein (p.Asp279Val). The aspartic acid residue is moderately conserved and there is a large physicochemical difference between aspartic acid and valine. This variant is not present in population databases (ExAC no frequency). This variant has not been reported in the literature in individuals with CSPP1-related conditions. Algorithms developed to predict the effect of missense changes on protein structure and function are either unavailable or do not agree on the potential impact of this missense change (SIFT: "Deleterious"; PolyPhen-2: "Probably Damaging"; Align-GVGD: "Class C0"). In summary, the available evidence is currently insufficient to determine the role of this variant in disease. Therefore, it has been classified as a Variant of Uncertain Significance.